The following is an entry in ClinVar:

ClinVar aggregate classification (germline): Uncertain significance (1 of 4 stars; one submission).

Conditions:
Immunodeficiency. Identifiers: MedGen C0021051, MONDO:0021094, HP:0002721.

gnomAD v4.1: 8 of 1,614,186 alleles (0.0005%); highest among the groups gnomAD compares: Non-Finnish European, 0.00042%; no homozygotes.

Submission:

Labcorp Genetics (formerly Invitae), Labcorp
Classification: Uncertain significance for Immunodeficiency. Last evaluated: 2024-06-05. Review status: criteria provided, single submitter. Criteria: Invitae Variant Classification Sherloc (09022015). Collection method: clinical testing. Allele origin: germline.
Comment: This sequence change replaces proline, which is neutral and non-polar, with serine, which is neutral and polar, at codon 882 of the NFAT5 protein (p.Pro882Ser). This variant is not present in population databases (gnomAD no frequency). This variant has not been reported in the literature in individuals affected with NFAT5-related conditions. ClinVar contains an entry for this variant (Variation ID: 1400710). Algorithms developed to predict the effect of missense changes on protein structure and function output the following: SIFT: "Not Available"; PolyPhen-2: "Benign"; Align-GVGD: "Not Available". The serine amino acid residue is found in multiple mammalian species, which suggests that this missense change does not adversely affect protein function. In summary, the available evidence is currently insufficient to determine the role of this variant in disease. Therefore, it has been classified as a Variant of Uncertain Significance.

NM_138713.4(NFAT5):c.2926C>T (p.Pro976Ser)

Gene: NFAT5 (nuclear factor of activated T cells 5; plus strand). Cytogenetic location: 16q22.1.
Variant type: single nucleotide variant.
Coding change: c.2926C>T on transcript NM_138713.4 (MANE Select); coding-DNA position 2926, C replaced by T.
Protein change: p.Pro976Ser; replaces proline 976 with serine.
Molecular consequence: missense variant.
Genome position (GRCh38, 1-based): chr16:69,692,751, C>T. VCF-style: chr16-69692751-C-T. GRCh37 (hg19) VCF-style: chr16-69726654-C-T.
Other names: c.2923C>T, p.Pro975Ser (NM_001113178.3); c.2251C>T, p.Pro751Ser (NM_001367709.1); c.2872C>T, p.Pro958Ser (NM_006599.4); c.2644C>T, p.Pro882Ser (NM_138714.4, NM_173214.3, NM_173215.3); short protein forms P751S, P882S, P975S, P976S, P958S.
Identifiers: ClinVar variation 1400710 (VCV001400710.8), dbSNP rs2151720335, ClinGen allele CA396511873.